The following is an entry in ClinVar:

ClinVar aggregate classification (germline): Conflicting classifications of pathogenicity. Review status: criteria provided, conflicting classifications (1 of 4 stars). 3 submissions from 3 submitters: Uncertain significance (2); Likely benign (1). Last evaluated 2025-08-01.

Conditions:
Neurodevelopmental disorder. Identifiers: MedGen C1535926, MeSH D065886, MONDO:0700092.

Submissions (3):

CeGaT Center for Human Genetics Tuebingen
Classification: Likely benign. Last evaluated: 2025-08-01. Review status: criteria provided, single submitter. Criteria: CeGaT Center For Human Genetics Tuebingen Variant Classification Criteria Version 2. Collection method: clinical testing. Allele origin: germline. Affected: yes. Observed: 1 variant allele.
Comment: UPF3B: PM4:Supporting, BS2

GeneDx
Classification: Uncertain significance. Last evaluated: 2023-10-24. Review status: criteria provided, single submitter. Criteria: GeneDx Variant Classification Process June 2021. Collection method: clinical testing. Allele origin: germline. Affected: yes.
Comment: In-frame deletion of 1 amino acid in a non-repeat region; Not observed at significant frequency in large population cohorts (gnomAD); In silico analysis supports that this variant does not alter protein structure/function; Has not been previously published as pathogenic or benign to our knowledge

Laboratory of Molecular Genetics (Pr. Bezieau's lab), CHU de Nantes
Classification: Uncertain significance for Neurodevelopmental disorder. Last evaluated: 2021-12-15. Review status: criteria provided, single submitter. Criteria: ACMG Guidelines, 2015. Collection method: clinical testing. Allele origin: germline. Affected: yes.

NM_080632.3(UPF3B):c.1265AAG[2] (p.Glu424del)

Gene: UPF3B (UPF3B regulator of nonsense mediated mRNA decay; minus strand). Cytogenetic location: Xq24.
Variant type: Microsatellite.
Coding change: c.1265AAG[2] on transcript NM_080632.3 (MANE Select); two copies in a row of the 3-base unit AAG starting at c.1265; the reference has three copies in a row; one copy, 3 bases deleted; also written c.1271_1273del.
Protein change: p.Glu424del; deletes glutamic acid 424.
Molecular consequence: inframe deletion.
Genome position (GRCh38, 1-based): chrX:119,837,786-119,837,788, CTT deleted on the plus strand (AAG on the coding strand, the reverse complement: UPF3B is on the minus strand); deleting any 3 consecutive bases within chrX:119,837,786-119,837,794 gives the same sequence; the position shown is the placement nearest the transcript's 3' end. VCF-style (leftmost placement, unchanged base first): chrX-119837785-ACTT-A. GRCh37 (hg19) VCF-style: chrX-118971748-ACTT-A.
Other names: c.1271_1273del (NM_080632.1, NM_080632.3); c.1226AAG[2], p.Glu411del (NM_023010.4); short protein forms E411del, E424del.
Identifiers: ClinVar variation 1701844 (VCV001701844.10), dbSNP rs2056115071, ClinGen allele CA645604800.
Genomic context (GRCh38, chrX:119,837,785, plus strand): 5'-CCCTCATAAACAAGTTTAATGACAAGCAGCACCTTGTTTCTTATTCGATCTCTCTTGACC[ACTT>A]CTTCTTTCTTTTCAGTTTTTTCTGAGCTGCCTATTGATTCTGTACTTTCAGCCTTCTTTC-3'